The following is an entry in ClinVar:

ClinVar aggregate classification (germline): Pathogenic (1 of 4 stars; one submission).

Conditions:
Danon disease. Also called: ANTOPOL DISEASE; PSEUDOGLYCOGENOSIS II; GSD IIb; LYSOSOMAL GLYCOGEN STORAGE DISEASE WITHOUT ACID MALTASE DEFICIENCY; Glycogen Storage Disease Type IIb. Identifiers: Orphanet 34587, MedGen C0878677, MONDO:0010281, OMIM 300257.

Submission:

Labcorp Genetics (formerly Invitae), Labcorp
Classification: Pathogenic for Danon disease. Last evaluated: 2025-09-23. Review status: criteria provided, single submitter. Criteria: Invitae Variant Classification Sherloc (09022015). Collection method: clinical testing. Allele origin: germline.
Comment: This sequence change creates a premature translational stop signal (p.Thr210Glnfs*32) in the LAMP2 gene. It is expected to result in an absent or disrupted protein product. Loss-of-function variants in LAMP2 are known to be pathogenic (PMID: 21415759). This variant is not present in population databases (gnomAD no frequency). This variant has not been reported in the literature in individuals affected with LAMP2-related conditions. For these reasons, this variant has been classified as Pathogenic.

Literature cited by the submitters: PubMed 21415759.

NM_002294.3(LAMP2):c.628del (p.Thr210fs)

Gene: LAMP2 (lysosome associated membrane protein 2; minus strand). Cytogenetic location: Xq24.
Variant type: Deletion.
Coding change: c.628del on transcript NM_002294.3 (MANE Select); coding-DNA position 628, one base deleted (A; older notation c.628delA).
Protein change: p.Thr210fs; shifts the reading frame from threonine 210.
Molecular consequence: frameshift variant.
Genome position (GRCh38, 1-based): chrX:120,447,954, T deleted on the plus strand (A on the coding strand, the reverse complement: LAMP2 is on the minus strand). VCF-style (leftmost placement, unchanged base first): chrX-120447953-GT-G. GRCh37 (hg19) VCF-style: chrX-119581808-GT-G.
Other names: c.628del, p.Thr210fs (NM_001122606.1, NM_013995.2); short protein forms T210fs.
Identifiers: ClinVar variation 4727709 (VCV004727709.1).